The following is an entry in ClinVar:

NM_005120.3(MED12):c.4586T>C (p.Met1529Thr)

Gene: MED12 (mediator complex subunit 12; plus strand). Cytogenetic location: Xq13.1.
Variant type: single nucleotide variant.
Coding change: c.4586T>C on transcript NM_005120.3 (MANE Select); coding-DNA position 4586, T replaced by C.
Protein change: p.Met1529Thr; replaces methionine 1529 with threonine.
Molecular consequence: missense variant.
Genome position (GRCh38, 1-based): chrX:71,133,181, T>C. VCF-style: chrX-71133181-T-C. GRCh37 (hg19) VCF-style: chrX-70353031-T-C.
Other names: short protein forms M1529T.
Identifiers: ClinVar variation 4801080 (VCV004801080.1).

ClinVar aggregate classification (germline): Uncertain significance (1 of 4 stars; one submission).

Conditions:
FG syndrome (FGS). Identifiers: MedGen C0220769, MONDO:0002010.

Submission:

Labcorp Genetics (formerly Invitae), Labcorp
Classification: Uncertain significance for FG syndrome. Last evaluated: 2025-10-15. Review status: criteria provided, single submitter. Criteria: Invitae Variant Classification Sherloc (09022015). Collection method: clinical testing. Allele origin: germline.
Comment: This sequence change replaces methionine, which is neutral and non-polar, with threonine, which is neutral and polar, at codon 1529 of the MED12 protein (p.Met1529Thr). This variant is not present in population databases (gnomAD no frequency). This variant has not been reported in the literature in individuals affected with MED12-related conditions. Invitae Evidence Modeling of protein sequence and biophysical properties (such as structural, functional, and spatial information, amino acid conservation, physicochemical variation, residue mobility, and thermodynamic stability) indicates that this missense variant is not expected to disrupt MED12 protein function with a negative predictive value of 95%. In summary, the available evidence is currently insufficient to determine the role of this variant in disease. Therefore, it has been classified as a Variant of Uncertain Significance.